The following is an entry in ClinVar:

ClinVar aggregate classification (germline): Conflicting classifications of pathogenicity. Review status: criteria provided, conflicting classifications (1 of 4 stars). 3 submissions from 3 submitters: Uncertain significance (2); Likely benign (1). Last evaluated 2020-03-29.

Conditions:
Cardiovascular phenotype. Identifiers: MedGen CN230736.

Allele frequency attached by ClinVar (database versions not stated): gnomAD 0.00001; TOPMed 0.00001; gnomAD exomes 0.00002 and 0.00004; ExAC 0.00003.
gnomAD v4.1: 59 of 1,613,384 alleles (0.0037%); highest among the groups gnomAD compares: Non-Finnish European, 0.005%; no homozygotes.

Submissions (3):

Revvity Omics, Revvity
Classification: Uncertain significance. Last evaluated: 2020-03-29. Review status: criteria provided, single submitter. Criteria: ACMG Guidelines, 2015. Collection method: clinical testing. Allele origin: germline.

Ambry Genetics
Classification: Uncertain significance for Cardiovascular phenotype. Last evaluated: 2020-02-13. Review status: criteria provided, single submitter. Criteria: Ambry Variant Classification Scheme 2023. Collection method: clinical testing. Allele origin: germline.
Comment: The p.I17839M variant (also known as c.53517A>G), located in coding exon 153 of the TTN gene, results from an A to G substitution at nucleotide position 53517. The isoleucine at codon 17839 is replaced by methionine, an amino acid with highly similar properties. This amino acid position is well conserved in available vertebrate species. In addition, this alteration is predicted to be tolerated by in silico analysis. Since supporting evidence is limited at this time, the clinical significance of this alteration remains unclear.

GeneDx
Classification: Likely benign. Last evaluated: 2017-12-20. Review status: criteria provided, single submitter. Criteria: GeneDx Variant Classification (06012015). Collection method: clinical testing. Allele origin: germline. Affected: yes.
Comment: This variant is considered likely benign or benign based on one or more of the following criteria: it is a conservative change, it occurs at a poorly conserved position in the protein, it is predicted to be benign by multiple in silico algorithms, and/or has population frequency not consistent with disease.

NM_001267550.2(TTN):c.80712A>G (p.Ile26904Met)

Genes: TTN (titin; minus strand), TTN-AS1 (TTN antisense RNA 1; plus strand). Cytogenetic location: 2q31.2.
Variant type: single nucleotide variant.
Coding change: c.80712A>G on transcript NM_001267550.2 (MANE Select); coding-DNA position 80712, A replaced by G.
Protein change: p.Ile26904Met; replaces isoleucine 26904 with methionine.
Molecular consequence: missense variant.
Genome position (GRCh38, 1-based): chr2:178,565,420, T>C on the plus strand (A>G on the coding strand, the complement: TTN is on the minus strand). VCF-style: chr2-178565420-T-C. GRCh37 (hg19) VCF-style: chr2-179430147-T-C.
Other names: c.75789A>G, p.Ile25263Met (NM_001256850.1); c.53517A>G, p.Ile17839Met (NM_003319.4); c.73008A>G, p.Ile24336Met (NM_133378.4); c.53892A>G, p.Ile17964Met (NM_133432.3); c.54093A>G, p.Ile18031Met (NM_133437.4); short protein forms I25263M, I26904M, I24336M, I18031M, I17839M, I17964M.
Identifiers: ClinVar variation 514324 (VCV000514324.6), dbSNP rs773395582, ClinGen allele CA1989314.